The following is an entry in ClinVar:

NM_138694.4(PKHD1):c.6809-2A>G

Gene: PKHD1 (PKHD1 ciliary IPT domain containing fibrocystin/polyductin; minus strand). Cytogenetic location: 6p12.2.
Variant type: single nucleotide variant.
Coding change: c.6809-2A>G on transcript NM_138694.4 (MANE Select); the canonical splice acceptor site of the intron before coding-DNA position 6809, A replaced by G.
Molecular consequence: splice acceptor variant.
Genome position (GRCh38, 1-based): chr6:51,904,044, T>C on the plus strand (A>G on the coding strand, the complement: PKHD1 is on the minus strand). VCF-style: chr6-51904044-T-C. GRCh37 (hg19) VCF-style: chr6-51768842-T-C.
Other names: c.6809-2A>G (NM_170724.3).
Identifiers: ClinVar variation 555165 (VCV000555165.7), dbSNP rs1340926191, ClinGen allele CA364430858.
Genomic context (GRCh38, chr6:51,904,044, plus strand): 5'-ACCATCTTTCCTTCCATGAATTGCCTCCCAGGAGATATATCTCATCTCCGTGCATGTCCC[T>C]GAGAACAAAAGACCCCATTACTTGAGTATATTTTATGTCACTTAGGAAAACAAGAGATGC-3'

ClinVar aggregate classification (germline): Pathogenic/Likely pathogenic. Review status: criteria provided, multiple submitters, no conflicts (2 of 4 stars). 4 submissions from 4 submitters: Pathogenic (1); Likely pathogenic (2). 1 of the submissions does not count toward it. Last evaluated 2023-11-06.

Conditions:
Polycystic kidney disease 4 (PKD4). Also called: POLYCYSTIC KIDNEY DISEASE 4 WITH OR WITHOUT POLYCYSTIC LIVER DISEASE; POLYCYSTIC KIDNEY AND HEPATIC DISEASE 1; POLYCYSTIC KIDNEY DISEASE, INFANTILE, TYPE I; PKD3; Autosomal Recessive Polycystic Kidney Disease – PKHD1. Identifiers: MedGen C4540575, MONDO:0033004, OMIM 263200.
Autosomal recessive polycystic kidney disease (ARPKD). Also called: AR polycystic kidney disease. Identifiers: Orphanet 731, Orphanet 8378, MedGen C0085548, MeSH D017044, MONDO:0009889.

Submissions (4):

Labcorp Genetics (formerly Invitae), Labcorp
Classification: Likely pathogenic for Autosomal recessive polycystic kidney disease. Last evaluated: 2023-11-06. Review status: criteria provided, single submitter. Criteria: Invitae Variant Classification Sherloc (09022015). Collection method: clinical testing. Allele origin: germline.
Comment: This sequence change affects an acceptor splice site in intron 41 of the PKHD1 gene. It is expected to disrupt RNA splicing. Variants that disrupt the donor or acceptor splice site typically lead to a loss of protein function (PMID: 16199547), and loss-of-function variants in PKHD1 are known to be pathogenic (PMID: 19940839). This variant is not present in population databases (gnomAD no frequency). This variant has not been reported in the literature in individuals affected with PKHD1-related conditions. ClinVar contains an entry for this variant (Variation ID: 555165). Algorithms developed to predict the effect of sequence changes on RNA splicing suggest that this variant may disrupt the consensus splice site. In summary, the currently available evidence indicates that the variant is pathogenic, but additional data are needed to prove that conclusively. Therefore, this variant has been classified as Likely Pathogenic.

Baylor Genetics
Classification: Pathogenic for Polycystic kidney disease 4. Last evaluated: 2022-05-23. Review status: criteria provided, single submitter. Criteria: ACMG Guidelines, 2015. Collection method: clinical testing. Allele origin: unknown.

Fulgent Genetics
Classification: Likely pathogenic for Polycystic kidney disease 4. Last evaluated: 2021-08-11. Review status: criteria provided, single submitter. Criteria: ACMG Guidelines, 2015. Collection method: clinical testing. Allele origin: unknown.

Counsyl
Classification: Likely pathogenic for Polycystic kidney disease 4. Last evaluated: 2017-11-21. Review status: no assertion criteria provided. Collection method: clinical testing. Allele origin: unknown. Not counted in ClinVar's aggregate classification.

Literature cited by the submitters: PubMed 16199547 (cited by Labcorp Genetics (formerly Invitae), Labcorp); PubMed 19940839 (cited by Labcorp Genetics (formerly Invitae), Labcorp).